The following is an entry in ClinVar:

ClinVar aggregate classification (germline): Uncertain significance. Review status: criteria provided, multiple submitters, no conflicts (2 of 4 stars). 3 submissions from 3 submitters: Uncertain significance (3). Last evaluated 2025-12-11.

Conditions:
Cardiomyopathy (CMYO). Also called: Cardiomyopathies. Identifiers: Orphanet 167848, MedGen C0878544, MONDO:0004994, HP:0001638. Inheritance: Various modes of inheritance.
Catecholaminergic polymorphic ventricular tachycardia 1. Also called: VENTRICULAR TACHYCARDIA, STRESS-INDUCED POLYMORPHIC 1; VENTRICULAR TACHYCARDIA, CATECHOLAMINERGIC POLYMORPHIC, 1, WITH OR WITHOUT ATRIAL DYSFUNCTION AND/OR DILATED CARDIOMYOPATHY; RYR2-Related Catecholaminergic Polymorphic Ventricular Tachycardia. Identifiers: Orphanet 3286, MedGen C1631597, MONDO:0011484, OMIM 604772.
Cardiovascular phenotype. Identifiers: MedGen CN230736.

gnomAD v4.1: 3 of 1,613,390 alleles (0.00019%); highest among the groups gnomAD compares: Non-Finnish European, 0.00025%; no homozygotes.

Submissions (3):

Ambry Genetics
Classification: Uncertain significance for Cardiovascular phenotype. Last evaluated: 2025-12-11. Review status: criteria provided, single submitter. Criteria: Ambry Variant Classification Scheme 2023. Collection method: clinical testing. Allele origin: germline.
Comment: The p.A3736G variant (also known as c.11207C>G), located in coding exon 81 of the RYR2 gene, results from a C to G substitution at nucleotide position 11207. The alanine at codon 3736 is replaced by glycine, an amino acid with similar properties. This amino acid position is conserved. In addition, this alteration is predicted to be deleterious by in silico analysis. Based on the available evidence, the clinical significance of this variant remains unclear.

Color Diagnostics, LLC DBA Color Health
Classification: Uncertain significance for Cardiomyopathy. Last evaluated: 2025-09-29. Review status: criteria provided, single submitter. Criteria: ACMG Guidelines, 2015. Collection method: clinical testing. Allele origin: germline.
Comment: This missense variant replaces alanine with glycine at codon 3736 of the RYR2 protein. Computational prediction is inconclusive regarding the impact of this variant on protein structure and function. To our knowledge, functional studies have not been reported for this variant. This variant has not been reported in individuals affected with RYR2-related disorders in the literature. This variant has been identified in 3/1461134 chromosomes in the general population by the Genome Aggregation Database (gnomAD). The available evidence is insufficient to determine the role of this variant in disease conclusively. Therefore, this variant is classified as a Variant of Uncertain Significance.

Labcorp Genetics (formerly Invitae), Labcorp
Classification: Uncertain significance for Catecholaminergic polymorphic ventricular tachycardia 1. Last evaluated: 2023-09-19. Review status: criteria provided, single submitter. Criteria: Invitae Variant Classification Sherloc (09022015). Collection method: clinical testing. Allele origin: germline.
Comment: In summary, the available evidence is currently insufficient to determine the role of this variant in disease. Therefore, it has been classified as a Variant of Uncertain Significance. Advanced modeling of protein sequence and biophysical properties (such as structural, functional, and spatial information, amino acid conservation, physicochemical variation, residue mobility, and thermodynamic stability) performed at Invitae indicates that this missense variant is expected to disrupt RYR2 protein function. This variant has not been reported in the literature in individuals affected with RYR2-related conditions. This variant is present in population databases (no rsID available, gnomAD 0.0009%). This sequence change replaces alanine, which is neutral and non-polar, with glycine, which is neutral and non-polar, at codon 3736 of the RYR2 protein (p.Ala3736Gly).

NM_001035.3(RYR2):c.11207C>G (p.Ala3736Gly)

Gene: RYR2 (ryanodine receptor 2; plus strand). Cytogenetic location: 1q43.
Variant type: single nucleotide variant.
Coding change: c.11207C>G on transcript NM_001035.3 (MANE Select); coding-DNA position 11207, C replaced by G.
Protein change: p.Ala3736Gly; replaces alanine 3736 with glycine.
Molecular consequence: missense variant.
Genome position (GRCh38, 1-based): chr1:237,756,349, C>G. VCF-style: chr1-237756349-C-G. GRCh37 (hg19) VCF-style: chr1-237919649-C-G.
Other names: c.11207C>G (NM_001035.2); short protein forms A3736G.
Identifiers: ClinVar variation 2904718 (VCV002904718.5), dbSNP rs1209754420, ClinGen allele CA345425881.